The following is an entry in ClinVar:

NM_001165963.4(SCN1A):c.602+1G>C

Gene: SCN1A (sodium voltage-gated channel alpha subunit 1; minus strand). Cytogenetic location: 2q24.3.
Variant type: single nucleotide variant.
Coding change: c.602+1G>C on transcript NM_001165963.4 (MANE Select); the canonical splice donor site of the intron after coding-DNA position 602, G replaced by C.
Molecular consequence: splice donor variant.
Genome position (GRCh38, 1-based): chr2:166,054,637, C>G on the plus strand (G>C on the coding strand, the complement: SCN1A is on the minus strand). VCF-style: chr2-166054637-C-G. GRCh37 (hg19) VCF-style: chr2-166911147-C-G.
Other names: c.602+1G>C (NM_001353949.2, NM_001353958.2, NM_001353950.2 and 10 more transcripts); c.-1824+1G>C (NM_001353961.2).
Identifiers: ClinVar variation 206742 (VCV000206742.14), dbSNP rs794726827, ClinGen allele CA317142.

ClinVar aggregate classification (germline): Pathogenic. Review status: criteria provided, multiple submitters, no conflicts (2 of 4 stars). 3 submissions from 3 submitters: Pathogenic (3). Last evaluated 2026-07-06.

Conditions:
Early-infantile DEE. Also called: Early infantile epileptic encephalopathy; Ohtahara syndrome; Early infantile epileptic encephalopathy with suppression bursts. Identifiers: Orphanet 1934, MedGen C0393706, MONDO:0800491.
Severe myoclonic epilepsy in infancy (DRVT). Also called: SEVERE MYOCLONIC EPILEPSY OF INFANCY; DEVELOPMENTAL AND EPILEPTIC ENCEPHALOPATHY 6A; Severe Myoclonic Epilepsy in Infancy (SMEI); Dravet syndrome; Epileptic encephalopathy, early infantile, 6 (Dravet syndrome). Identifiers: Orphanet 33069, MedGen C0751122, MONDO:0100135, OMIM 607208.

Submissions (3):

Institute of Human Genetics, University of Leipzig Medical Center
Classification: Pathogenic for Severe myoclonic epilepsy in infancy. Last evaluated: 2026-07-06. Review status: criteria provided, single submitter. Criteria: ACMG Guidelines, 2015. Collection method: clinical testing. Allele origin: de novo. Inheritance: Autosomal dominant inheritance. Affected: yes.
Comment: Criteria applied: PVS1_STR,PS1,PS2_MOD,PS4_MOD,PM2

Labcorp Genetics (formerly Invitae), Labcorp
Classification: Pathogenic for Early-infantile DEE. Last evaluated: 2022-06-27. Review status: criteria provided, single submitter. Criteria: Invitae Variant Classification Sherloc (09022015). Collection method: clinical testing. Allele origin: germline.
Comment: For these reasons, this variant has been classified as Pathogenic. Algorithms developed to predict the effect of sequence changes on RNA splicing suggest that this variant may disrupt the consensus splice site. ClinVar contains an entry for this variant (Variation ID: 206742). Disruption of this splice site has been observed in individual(s) with Dravet syndrome (PMID: 27465585). This variant is not present in population databases (gnomAD no frequency). This sequence change affects a donor splice site in intron 4 of the SCN1A gene. It is expected to disrupt RNA splicing. Variants that disrupt the donor or acceptor splice site typically lead to a loss of protein function (PMID: 16199547), and loss-of-function variants in SCN1A are known to be pathogenic (PMID: 17347258, 18930999).

GeneDx
Classification: Pathogenic. Last evaluated: 2020-08-04. Review status: criteria provided, single submitter. Criteria: GeneDx Variant Classification Process June 2021. Collection method: clinical testing. Allele origin: germline. Affected: yes.
Comment: Canonical splice site variant expected to result in aberrant splicing, although in the absence of functional evidence the actual effect of this sequence change is unknown; Not observed in large population cohorts (Lek et al., 2016); Deletions involving coding exons of this gene are a known mechanism of disease (Stenson et al., 2014); Lost residues are within the S2 and S3 transmembrane segments of the I homologous domain; This variant is associated with the following publications: (PMID: 32090326, 27465585, 29655203, 32613771)

Literature cited by the submitters: PubMed 27465585 (cited by Labcorp Genetics (formerly Invitae), Labcorp); PubMed 16199547 (cited by Labcorp Genetics (formerly Invitae), Labcorp); PubMed 17347258 (cited by Labcorp Genetics (formerly Invitae), Labcorp); PubMed 18930999 (cited by Labcorp Genetics (formerly Invitae), Labcorp).